The following is an entry in ClinVar:

NM_001625.4(AK2):c.582C>T (p.Thr194=)

Gene: AK2 (adenylate kinase 2; minus strand). Cytogenetic location: 1p35.1.
Variant type: single nucleotide variant.
Coding change: c.582C>T on transcript NM_001625.4 (MANE Select); coding-DNA position 582, C replaced by T.
Protein change: p.Thr194=; no amino-acid change (threonine 194 retained).
Molecular consequence: synonymous variant. On other transcripts: 3 prime UTR variant (1), non-coding transcript variant (1).
Genome position (GRCh38, 1-based): chr1:33,013,319, G>A on the plus strand (C>T on the coding strand, the complement: AK2 is on the minus strand). VCF-style: chr1-33013319-G-A. GRCh37 (hg19) VCF-style: chr1-33478920-G-A.
Other names: c.558C>T, p.Thr186= (NM_001199199.3); c.438C>T, p.Thr146= (NM_001319139.3, NM_001319140.2); c.582C>T, p.Thr194= (NM_001319141.3, NM_013411.5); c.456C>T, p.Thr152= (NM_001319142.3); c.*85C>T (NM_001319143.2); c.582C>T (NM_001625.3).
Identifiers: ClinVar variation 1169304 (VCV001169304.13), dbSNP rs111261425, ClinGen allele CA747064.

ClinVar aggregate classification (germline): Benign/Likely benign. Review status: criteria provided, multiple submitters, no conflicts (2 of 4 stars). 4 submissions from 4 submitters: Benign (2); Likely benign (1). 1 of the submissions does not count toward it. Last evaluated 2025-11-03.

Conditions:
AK2-related disorder. Also called: AK2-related condition.
Reticular dysgenesis. Also called: DeVaal disease; ALEUKOCYTOSIS; CONGENITAL ALEUKIA; HEMATOPOIETIC HYPOPLASIA, GENERALIZED; RETICULAR DYSGENESIA; SEVERE COMBINED IMMUNODEFICIENCY WITH LEUKOPENIA. Identifiers: Orphanet 33355, MedGen C0272167, MONDO:0009973, OMIM 267500.

Allele frequency attached by ClinVar (database versions not stated): gnomAD 0.00322 and 0.00338; gnomAD exomes 0.00430; ExAC 0.13109.

Submissions (4):

Labcorp Genetics (formerly Invitae), Labcorp
Classification: Benign for Reticular dysgenesis. Last evaluated: 2025-11-03. Review status: criteria provided, single submitter. Criteria: Invitae Variant Classification Sherloc (09022015). Collection method: clinical testing. Allele origin: germline.

Blueprint Genetics
Classification: Likely benign. Last evaluated: 2024-11-26. Review status: criteria provided, single submitter. Criteria: ACMG Guidelines, 2015. Collection method: clinical testing. Allele origin: germline.

Breakthrough Genomics
Classification: Benign. Review status: criteria provided, single submitter. Criteria: ACMG Guidelines, 2015. Collection method: not provided. Allele origin: germline. Inheritance: Autosomal recessive inheritance. Affected: yes.

PreventionGenetics, part of Exact Sciences
Classification: Likely benign for AK2-related condition. Last evaluated: 2020-11-30. Review status: no assertion criteria provided. Collection method: clinical testing. Allele origin: germline. Not counted in ClinVar's aggregate classification.
Comment: This variant is classified as likely benign based on ACMG/AMP sequence variant interpretation guidelines (Richards et al. 2015 PMID: 25741868, with internal and published modifications).